The following is an entry in ClinVar:

ClinVar aggregate classification (germline): Likely benign. Review status: criteria provided, multiple submitters, no conflicts (2 of 4 stars). 2 submissions from 2 submitters: Likely benign (2). Last evaluated 2026-01-20.

Conditions:
Very long chain acyl-CoA dehydrogenase deficiency (ACADVLD). Also called: Very Long-Chain Acyl-Coenzyme A Dehydrogenase Deficiency; VLCAD Deficiency. Identifiers: Orphanet 26793, MedGen C3887523, MONDO:0008723, OMIM 201475.

Allele frequency attached by ClinVar (database versions not stated): gnomAD exomes below 0.00001 and 0.00001; ExAC 0.00001; TOPMed 0.00001; gnomAD 0.00004 and 0.00005; ESP Exome Variant Server 0.00008.
gnomAD v4.1: 7 of 1,614,018 alleles (0.00043%); highest among the groups gnomAD compares: African/African-American, 0.0093%; no homozygotes.

Submissions (2):

Labcorp Genetics (formerly Invitae), Labcorp
Classification: Likely benign for Very long chain acyl-CoA dehydrogenase deficiency. Last evaluated: 2026-01-20. Review status: criteria provided, single submitter. Criteria: Invitae Variant Classification Sherloc (09022015). Collection method: clinical testing. Allele origin: germline.

Mayo Clinic Laboratories, Mayo Clinic
Classification: Likely benign. Last evaluated: 2025-08-20. Review status: criteria provided, single submitter. Criteria: ACMG Guidelines, 2015. Collection method: clinical testing. Allele origin: germline. Observed: 1 variant allele.
Comment: BP4, BP7

NM_000018.4(ACADVL):c.954A>G (p.Pro318=)

Gene: ACADVL (acyl-CoA dehydrogenase very long chain; plus strand). Cytogenetic location: 17p13.1.
Variant type: single nucleotide variant.
Coding change: c.954A>G on transcript NM_000018.4 (MANE Select); coding-DNA position 954, A replaced by G.
Protein change: p.Pro318=; no amino-acid change (proline 318 retained).
Molecular consequence: synonymous variant.
Genome position (GRCh38, 1-based): chr17:7,222,742, A>G. VCF-style: chr17-7222742-A-G. GRCh37 (hg19) VCF-style: chr17-7126061-A-G.
Other names: p.Pro318=; c.888A>G, p.Pro296= (NM_001033859.3); c.1023A>G, p.Pro341= (NM_001270447.2); c.726A>G, p.Pro242= (NM_001270448.2).
Identifiers: ClinVar variation 1557343 (VCV001557343.9), dbSNP rs137919558, ClinGen allele CA8337911.